The following is an entry in ClinVar:

ClinVar aggregate classification (germline): Benign/Likely benign. Review status: criteria provided, multiple submitters, no conflicts (2 of 4 stars). 3 submissions from 3 submitters: Benign (1); Likely benign (2). Last evaluated 2026-08-16.

Conditions:
Familial cancer of breast. Also called: hereditary breast carcinoma; Hereditary breast cancer; BREAST CANCER, FAMILIAL. Identifiers: Orphanet 227535, MedGen C0346153, MONDO:0016419, OMIM 114480. Disease mechanism: loss of function.
Ataxia-telangiectasia syndrome (AT). Also called: Ataxia-telangiectasia, complementation group D; AT, COMPLEMENTATION GROUP C; LOUIS-BAR SYNDROME; Ataxia-telangiectasia, complementation group E; Cerebello-oculocutaneous telangiectasia; Immunodeficiency with ataxia telangiectasia. Identifiers: Orphanet 100, MedGen C0004135, MONDO:0008840, OMIM 208900.
Hereditary cancer-predisposing syndrome. Also called: Neoplastic Syndromes, Hereditary; Hereditary neoplastic syndrome; Hereditary Cancer Syndrome; Tumor predisposition. Identifiers: Orphanet 140162, MedGen C0027672, MeSH D009386, MONDO:0015356.

gnomAD v4.1: 4 of 1,613,816 alleles (0.00025%); highest among the groups gnomAD compares: Non-Finnish European, 0.00034%; no homozygotes.

Submissions (3):

Ambry Genetics
Classification: Likely benign for Hereditary cancer-predisposing syndrome. Last evaluated: 2026-08-16. Review status: criteria provided, single submitter. Criteria: Ambry Variant Classification Scheme 2023. Collection method: clinical testing. Allele origin: germline.

Myriad Genetics, Inc.
Classification: Benign for Familial cancer of breast. Last evaluated: 2024-04-22. Review status: criteria provided, single submitter. Criteria: Myriad Autosomal Dominant, Autosomal Recessive and X-Linked Classification Criteria (2023). Collection method: clinical testing. Allele origin: unknown.
Comment: This variant is considered benign. This variant is a silent/synonymous amino acid change and it is not expected to impact splicing.

Labcorp Genetics (formerly Invitae), Labcorp
Classification: Likely benign for Ataxia-telangiectasia syndrome. Last evaluated: 2021-09-20. Review status: criteria provided, single submitter. Criteria: Invitae Variant Classification Sherloc (09022015). Collection method: clinical testing. Allele origin: germline.

NM_000051.4(ATM):c.735C>G (p.Val245=)

Gene: ATM (ATM serine/threonine kinase; plus strand). Cytogenetic location: 11q22.3.
Variant type: single nucleotide variant.
Coding change: c.735C>G on transcript NM_000051.4 (MANE Select); coding-DNA position 735, C replaced by G.
Protein change: p.Val245=; no amino-acid change (valine 245 retained).
Molecular consequence: synonymous variant.
Genome position (GRCh38, 1-based): chr11:108,244,860, C>G. VCF-style: chr11-108244860-C-G. GRCh37 (hg19) VCF-style: chr11-108115587-C-G.
Other names: c.735C>G, p.Val245= (NM_001351834.2).
Identifiers: ClinVar variation 453678 (VCV000453678.10), dbSNP rs3218674, ClinGen allele CA476744676.